The following is an entry in ClinVar:

ClinVar aggregate classification (germline): Uncertain significance (1 of 4 stars; one submission).

Submission:

Labcorp Genetics (formerly Invitae), Labcorp
Classification: Uncertain significance. Last evaluated: 2025-02-17. Review status: criteria provided, single submitter. Criteria: Invitae Variant Classification Sherloc (09022015). Collection method: clinical testing. Allele origin: germline.
Comment: This sequence change replaces glutamic acid, which is acidic and polar, with glutamine, which is neutral and polar, at codon 114 of the BACH2 protein (p.Glu114Gln). This variant is not present in population databases (gnomAD no frequency). This variant has not been reported in the literature in individuals affected with BACH2-related conditions. ClinVar contains an entry for this variant (Variation ID: 2724203). Invitae Evidence Modeling of protein sequence and biophysical properties (such as structural, functional, and spatial information, amino acid conservation, physicochemical variation, residue mobility, and thermodynamic stability) indicates that this missense variant is not expected to disrupt BACH2 protein function with a negative predictive value of 80%. In summary, the available evidence is currently insufficient to determine the role of this variant in disease. Therefore, it has been classified as a Variant of Uncertain Significance.

NM_021813.4(BACH2):c.340G>C (p.Glu114Gln)

Gene: BACH2 (BACH transcriptional regulator 2; minus strand). Cytogenetic location: 6q15.
Variant type: single nucleotide variant.
Coding change: c.340G>C on transcript NM_021813.4 (MANE Select); coding-DNA position 340, G replaced by C.
Protein change: p.Glu114Gln; replaces glutamic acid 114 with glutamine.
Molecular consequence: missense variant.
Genome position (GRCh38, 1-based): chr6:89,951,766, C>G on the plus strand (G>C on the coding strand, the complement: BACH2 is on the minus strand). VCF-style: chr6-89951766-C-G. GRCh37 (hg19) VCF-style: chr6-90661485-C-G.
Other names: c.340G>C, p.Glu114Gln (NM_001170794.2); short protein forms E114Q.
Identifiers: ClinVar variation 2724203 (VCV002724203.3), dbSNP rs2533568247, ClinGen allele CA365073246.